The following is an entry in ClinVar:

NM_001370658.1(BTD):c.586T>A (p.Tyr196Asn)

Gene: BTD (biotinidase; plus strand). Cytogenetic location: 3p25.1.
Variant type: single nucleotide variant.
Coding change: c.586T>A on transcript NM_001370658.1 (MANE Select); coding-DNA position 586, T replaced by A.
Protein change: p.Tyr196Asn; replaces tyrosine 196 with asparagine.
Molecular consequence: missense variant. On other transcripts: intron variant (1).
Genome position (GRCh38, 1-based): chr3:15,644,502, T>A. VCF-style: chr3-15644502-T-A. GRCh37 (hg19) VCF-style: chr3-15686009-T-A.
Other names: c.586T>A, p.Tyr196Asn (NM_001407377.1, NM_001407378.1, NM_001407379.1 and 18 more transcripts); c.399+2445T>A (NM_001370753.1); c.646T>A, p.Tyr216Asn (NM_000060.4); short protein forms Y196N.
Identifiers: ClinVar variation 5003233 (VCV005003233.1), dbSNP rs1559599267.
Genomic context (GRCh38, chr3:15,644,502, plus strand): 5'-ACAAATGTCGTGTTCAGCAATAATGGAACCCTTGTTGACCGCTACCGTAAACACAACCTC[T>A]ACTTTGAGGCAGCATTCGATGTTCCTCTTAAAGTGGATCTCATCACCTTTGATACCCCCT-3'
Protein context (NP_001357587.1, residues 186-206): LVDRYRKHNL[Tyr196Asn]FEAAFDVPLK

ClinVar aggregate classification (germline): Uncertain significance (1 of 4 stars; one submission).

Conditions:
Biotinidase deficiency. Also called: BTD deficiency; Late-onset biotin-responsive multiple carboxylase deficiency; Biotin deficiency. Identifiers: Orphanet 79241, MedGen C0220754, MONDO:0009665, OMIM 253260.

Submission:

Myriad Genetics, Inc.
Classification: Uncertain significance for Biotinidase deficiency. Last evaluated: 2026-01-28. Review status: criteria provided, single submitter. Criteria: Myriad Autosomal Dominant, Autosomal Recessive and X-Linked Classification Criteria (2023). Collection method: clinical testing. Allele origin: unknown.
Comment: NM_000060.2(BTD):c.646T>A(Y216N) is a missense variant classified as a variant of uncertain significance in the context of biotinidase deficiency. Y216N has been observed in a case with relevant disease (PMID: 26810761). Relevant functional assessments of this variant are not available in the literature. Y216N has not been observed in referenced population frequency databases. In summary, there is insufficient evidence to classify NM_000060.2(BTD):c.646T>A(Y216N) as pathogenic or benign. Please note: this variant was assessed in the context of healthy population screening.

Literature cited by the submitters: PubMed 26810761.